The following is an entry in ClinVar:

ClinVar aggregate classification (germline): Conflicting classifications of pathogenicity. Review status: criteria provided, conflicting classifications (1 of 4 stars). 4 submissions from 4 submitters: Uncertain significance (3); Benign (1). Last evaluated 2026-01-28.

Conditions:
Hermansky-Pudlak syndrome 4 (HPS4). Identifiers: Orphanet 231500, Orphanet 79430, MedGen C3484357, MONDO:0013556, OMIM 614073.
Inborn genetic diseases. Identifiers: MedGen C0950123, MeSH D030342.

Allele frequency attached by ClinVar (database versions not stated): ESP Exome Variant Server 0.00031; ExAC 0.00033; 1000 Genomes Project 30x 0.00016; 1000 Genomes Project 0.00020; TOPMed 0.00025; gnomAD 0.00027 and 0.00030.
gnomAD v4.1: 366 of 1,614,170 alleles (0.023%); highest among the groups gnomAD compares: Middle Eastern, 0.033%; 4 homozygotes.

Submissions (4):

Labcorp Genetics (formerly Invitae), Labcorp
Classification: Benign. Last evaluated: 2026-01-28. Review status: criteria provided, single submitter. Criteria: Invitae Variant Classification Sherloc (09022015). Collection method: clinical testing. Allele origin: germline.

Women's Health and Genetics/Laboratory Corporation of America, LabCorp
Classification: Uncertain significance. Last evaluated: 2024-12-19. Review status: criteria provided, single submitter. Criteria: LabCorp Variant Classification Summary - May 2015. Collection method: clinical testing. Allele origin: germline.
Comment: Variant summary: HPS4 c.1747G>A (p.Glu583Lys) results in a conservative amino acid change in the encoded protein sequence. Three of five in-silico tools predict a damaging effect of the variant on protein function. The variant allele was found at a frequency of 0.00023 in 1614170 control chromosomes in the gnomAD database, including 4 homozygotes. This frequency is not significantly higher than estimated for a pathogenic variant in HPS4 causing Hermansky-Pudlak Syndrome (0.00023 vs 0.00052), allowing no conclusion about variant significance. To our knowledge, no occurrence of c.1747G>A in individuals affected with Hermansky-Pudlak Syndrome and no experimental evidence demonstrating its impact on protein function have been reported. ClinVar contains an entry for this variant (Variation ID: 341001). Based on the evidence outlined above, the variant was classified as uncertain significance.

Ambry Genetics
Classification: Uncertain significance for Inborn genetic diseases. Last evaluated: 2022-07-05. Review status: criteria provided, single submitter. Criteria: Ambry Variant Classification Scheme 2023. Collection method: clinical testing. Allele origin: germline.

Illumina Laboratory Services, Illumina
Classification: Uncertain significance for Hermansky-Pudlak syndrome 4. Last evaluated: 2018-01-13. Review status: criteria provided, single submitter. Criteria: ICSL Variant Classification Criteria 13 December 2019. Collection method: clinical testing. Allele origin: germline.

NM_022081.6(HPS4):c.1747G>A (p.Glu583Lys)

Gene: HPS4 (HPS4 biogenesis of lysosomal organelles complex 3 subunit 2; minus strand). Cytogenetic location: 22q12.1.
Variant type: single nucleotide variant.
Coding change: c.1747G>A on transcript NM_022081.6 (MANE Select); coding-DNA position 1747, G replaced by A.
Protein change: p.Glu583Lys; replaces glutamic acid 583 with lysine.
Molecular consequence: missense variant. On other transcripts: non-coding transcript variant (8), intron variant (2).
Genome position (GRCh38, 1-based): chr22:26,458,544, C>T on the plus strand (G>A on the coding strand, the complement: HPS4 is on the minus strand). VCF-style: chr22-26458544-C-T. GRCh37 (hg19) VCF-style: chr22-26854510-C-T.
Other names: c.1747G>A (NM_022081.4); c.1747G>A, p.Glu583Lys (NM_001349896.1, NM_001349898.2, NM_001349899.2 and 2 more transcripts); c.1801G>A, p.Glu601Lys (NM_001349900.2, NM_001349901.1); c.1732G>A, p.Glu578Lys (NM_152841.2); c.1714-5140G>A (NM_001349902.1, NM_001349903.2); short protein forms E578K, E583K, E601K.
Identifiers: ClinVar variation 341001 (VCV000341001.14), dbSNP rs145481980, ClinGen allele CA10163227.